The following is an entry in ClinVar:

ClinVar aggregate classification (germline): Uncertain significance (1 of 4 stars; one submission).

Conditions:
Cardiovascular phenotype. Identifiers: MedGen CN230736.

gnomAD v4.1: 15 of 1,549,534 alleles (0.00097%); highest among the groups gnomAD compares: Non-Finnish European, 0.0013%; no homozygotes.

Submission:

Ambry Genetics
Classification: Uncertain significance for Cardiovascular phenotype. Last evaluated: 2023-03-23. Review status: criteria provided, single submitter. Criteria: Ambry Variant Classification Scheme 2023. Collection method: clinical testing. Allele origin: germline.
Comment: The p.E512Q variant (also known as c.1534G>C), located in coding exon 1 of the ZNF469 gene, results from a G to C substitution at nucleotide position 1534. The glutamic acid at codon 512 is replaced by glutamine, an amino acid with highly similar properties. This amino acid position is conserved. In addition, this alteration is predicted to be tolerated by in silico analysis. Since supporting evidence is limited at this time, the clinical significance of this alteration remains unclear.

NM_001367624.2(ZNF469):c.1534G>C (p.Glu512Gln)

Gene: ZNF469 (zinc finger protein 469; plus strand). Cytogenetic location: 16q24.2.
Variant type: single nucleotide variant.
Coding change: c.1534G>C on transcript NM_001367624.2 (MANE Select); coding-DNA position 1534, G replaced by C.
Protein change: p.Glu512Gln; replaces glutamic acid 512 with glutamine.
Molecular consequence: missense variant.
Genome position (GRCh38, 1-based): chr16:88,429,004, G>C. VCF-style: chr16-88429004-G-C. GRCh37 (hg19) VCF-style: chr16-88495412-G-C.
Other names: NM_001127464.1:c.1534G>C; short protein forms E512Q.
Identifiers: ClinVar variation 2564203 (VCV002564203.2), dbSNP rs953454298, ClinGen allele CA286372881.
Genomic context (GRCh38, chr16:88,429,004, plus strand): 5'-CGGCCAAGTCCCCACGGAATGGAGATGCTGAGCCGGCTGCCTTTCCCCGCGGGGGGCCCC[G>C]AGTGGCAGGGGGGCAGCCAAGGAGCCCTGGGCACTGCTGGCAAGACACCGGGACCCAGAG-3'
Protein context (NP_001354553.1, residues 502-522): SRLPFPAGGP[Glu512Gln]WQGGSQGALG